The following is an entry in ClinVar:

NM_005045.4(RELN):c.3424T>A (p.Ser1142Thr)

Gene: RELN (reelin; minus strand). Cytogenetic location: 7q22.1.
Variant type: single nucleotide variant.
Coding change: c.3424T>A on transcript NM_005045.4 (MANE Select); coding-DNA position 3424, T replaced by A.
Protein change: p.Ser1142Thr; replaces serine 1142 with threonine.
Molecular consequence: missense variant.
Genome position (GRCh38, 1-based): chr7:103,596,571, A>T on the plus strand (T>A on the coding strand, the complement: RELN is on the minus strand). VCF-style: chr7-103596571-A-T. GRCh37 (hg19) VCF-style: chr7-103237018-A-T.
Other names: c.3424T>A, p.Ser1142Thr (NM_173054.3); short protein forms S1142T.
Identifiers: ClinVar variation 358407 (VCV000358407.58), dbSNP rs145484343, ClinGen allele CA4421763.
Genomic context (GRCh38, chr7:103,596,571, plus strand): 5'-CCCCATTGTTGCTGTACTGAAGGAGGACGCCCTCCTCTCTGCTGTCAGGCTTGTTGCATG[A>T]AGCACTCTCTCCGCCTATCTGGATGTAGAACTGGACAAAGTCCACCCAAGAAGTATCCAG-3'
Protein context (NP_005036.2, residues 1132-1152): FYIQIGGESA[Ser1142Thr]CNKPDSREEG

ClinVar aggregate classification (germline): Conflicting classifications of pathogenicity. Review status: criteria provided, conflicting classifications (1 of 4 stars). 7 submissions from 7 submitters: Uncertain significance (1); Benign (1); Likely benign (3). 2 of the submissions do not count toward it. Last evaluated 2025-12-03.

Conditions:
Norman-Roberts syndrome (LIS2). Also called: Lissencephaly 2 (Norman-Roberts type). Identifiers: Orphanet 89844, MedGen C0796089, MONDO:0009760, OMIM 257320.
Familial temporal lobe epilepsy 7. Identifiers: Orphanet 101046, MedGen C4225327, MONDO:0014639, OMIM 616436.

Allele frequency attached by ClinVar (database versions not stated): 1000 Genomes Project 30x 0.00016; TOPMed 0.00019; 1000 Genomes Project 0.00020; ESP Exome Variant Server 0.00023; gnomAD exomes 0.00061 and 0.00124; ExAC 0.00100; gnomAD 0.00108 and 0.00114.
gnomAD v4.1: 1,031 of 1,614,056 alleles (0.064%); highest among the groups gnomAD compares: Non-Finnish European, 0.027%; 4 homozygotes.

Submissions (7):

Labcorp Genetics (formerly Invitae), Labcorp
Classification: Benign for Familial temporal lobe epilepsy 7; Norman-Roberts syndrome. Last evaluated: 2025-12-03. Review status: criteria provided, single submitter. Criteria: Invitae Variant Classification Sherloc (09022015). Collection method: clinical testing. Allele origin: germline.

CeGaT Center for Human Genetics Tuebingen
Classification: Likely benign. Last evaluated: 2025-03-01. Review status: criteria provided, single submitter. Criteria: CeGaT Center For Human Genetics Tuebingen Variant Classification Criteria Version 2. Collection method: clinical testing. Allele origin: germline. Affected: yes. Observed: 4 variant alleles.
Comment: RELN: BP4

Blueprint Genetics
Classification: Likely benign. Last evaluated: 2024-11-21. Review status: criteria provided, single submitter. Criteria: ACMG Guidelines, 2015. Collection method: clinical testing. Allele origin: germline.

GeneDx
Classification: Likely benign. Last evaluated: 2021-02-03. Review status: criteria provided, single submitter. Criteria: GeneDx Variant Classification Process June 2021. Collection method: clinical testing. Allele origin: germline. Affected: yes.

Illumina Laboratory Services, Illumina
Classification: Uncertain significance for Norman-Roberts syndrome. Last evaluated: 2018-01-13. Review status: criteria provided, single submitter. Criteria: ICSL Variant Classification Criteria 13 December 2019. Collection method: clinical testing. Allele origin: germline.

Clinical Genetics DNA and cytogenetics Diagnostics Lab, Erasmus MC, Erasmus Medical Center
Classification: Likely benign. Review status: no assertion criteria provided. Collection method: clinical testing. Allele origin: germline. Affected: yes. Study: VKGL Data-share Consensus. Not counted in ClinVar's aggregate classification.

Genome Diagnostics Laboratory, University Medical Center Utrecht
Classification: Likely benign. Review status: no assertion criteria provided. Collection method: clinical testing. Allele origin: germline. Affected: yes. Study: VKGL Data-share Consensus. Not counted in ClinVar's aggregate classification.